The following is an entry in ClinVar:

ClinVar aggregate classification (germline): Uncertain significance (1 of 4 stars; one submission).

Submission:

GeneDx
Classification: Uncertain significance. Last evaluated: 2022-08-19. Review status: criteria provided, single submitter. Criteria: GeneDx Variant Classification Process June 2021. Collection method: clinical testing. Allele origin: germline. Affected: yes.
Comment: Not observed at significant frequency in large population cohorts (gnomAD); In silico analysis supports that this missense variant does not alter protein structure/function; Has not been previously published as pathogenic or benign to our knowledge

NM_001256864.2(DNAJC6):c.1804G>A (p.Glu602Lys)

Gene: DNAJC6 (DnaJ heat shock protein family (Hsp40) member C6; plus strand). Cytogenetic location: 1p31.3.
Variant type: single nucleotide variant.
Coding change: c.1804G>A on transcript NM_001256864.2 (MANE Select); coding-DNA position 1804, G replaced by A.
Protein change: p.Glu602Lys; replaces glutamic acid 602 with lysine.
Molecular consequence: missense variant.
Genome position (GRCh38, 1-based): chr1:65,392,766, G>A. VCF-style: chr1-65392766-G-A. GRCh37 (hg19) VCF-style: chr1-65858449-G-A.
Other names: c.1594G>A, p.Glu532Lys (NM_001256865.2); c.1633G>A, p.Glu545Lys (NM_014787.4); short protein forms E532K, E545K, E602K.
Identifiers: ClinVar variation 2430412 (VCV002430412.1), dbSNP rs2525292993, ClinGen allele CA340689510.